The following is an entry in ClinVar:

NM_001009944.3(PKD1):c.290A>G (p.Asp97Gly)

Gene: PKD1 (polycystin 1, transient receptor potential channel interacting; minus strand). Cytogenetic location: 16p13.3.
Variant type: single nucleotide variant.
Coding change: c.290A>G on transcript NM_001009944.3 (MANE Select); coding-DNA position 290, A replaced by G.
Protein change: p.Asp97Gly; replaces aspartic acid 97 with glycine.
Molecular consequence: missense variant.
Genome position (GRCh38, 1-based): chr16:2,119,183, T>C on the plus strand (A>G on the coding strand, the complement: PKD1 is on the minus strand). VCF-style: chr16-2119183-T-C. GRCh37 (hg19) VCF-style: chr16-2169184-T-C.
Other names: c.290A>G, p.Asp97Gly (NM_000296.4); short protein forms D97G.
Identifiers: ClinVar variation 998164 (VCV000998164.3), dbSNP rs2092684310, ClinGen allele CA394396068.

ClinVar aggregate classification (germline): Likely pathogenic (1 of 4 stars; one submission).

Conditions:
Polycystic kidney disease, adult type (PKD1). Also called: Polycystic Kidney Disease 1, Autosomal Dominant; Polycystic kidney disease 1; Polycystic kidney disease 1, severe; POLYCYSTIC KIDNEY DISEASE, ADULT, TYPE I; POLYCYSTIC KIDNEY DISEASE 1 WITH OR WITHOUT POLYCYSTIC LIVER DISEASE; Polycystic Kidney, Autosomal Dominant. Identifiers: MedGen C3149841, MONDO:0008263, OMIM 173900.

Submission:

Breda Genetics srl
Classification: Likely pathogenic for Polycystic kidney disease, adult type. Last evaluated: 2021-02-03. Review status: criteria provided, single submitter. Criteria: ACMG Guidelines, 2015. Collection method: clinical testing. Allele origin: maternal. Inheritance: Autosomal dominant inheritance. Affected: yes. Observed: 1 variant allele, 1 heterozygote.
Comment: The variant c.290A>G (p.Asp97Gly) in the PKD1 gene is reported as likely pathogenic for the dominant form of polycystic kidney disease in the Global Variome shared LOVD database v.3.0 (genomic variant: #0000671281). The missense mutation c.290A>G (p.Asp97Gly) has been firstly reported by Hoefele et al. (2010) in a patient with autosomal dominant polycystic kidney disease (PMID: 21115670) and recently by Pandita et al. (2019) in a sporadic case of autosomal dominant polycystic kidney disease (PMID: 30816285). This variant has not been reported in dbSNP, gnomAD or ClinVar. The nucleotide position is conserved across 35 mammalian species (GERP RS: 4.17). In silico analysis indicates that the variant might be damaging.

Literature cited by the submitters: PubMed 21115670; PubMed 30816285.